The following is an entry in ClinVar:

ClinVar aggregate classification (germline): Uncertain significance. Review status: criteria provided, multiple submitters, no conflicts (2 of 4 stars). 2 submissions from 2 submitters: Uncertain significance (2). Last evaluated 2026-03-11.

Conditions:
Brugada syndrome 8 (BRGDA8). Identifiers: Orphanet 130, MedGen C2751083, MONDO:0013148, OMIM 613123.
Cardiovascular phenotype. Identifiers: MedGen CN230736.

Allele frequency attached by ClinVar (database versions not stated): gnomAD exomes below 0.00001.
gnomAD v4.1: 5 of 1,614,158 alleles (0.00031%); highest among the groups gnomAD compares: East Asian, 0.0022%; no homozygotes.

Submissions (2):

Ambry Genetics
Classification: Uncertain significance for Cardiovascular phenotype. Last evaluated: 2026-03-11. Review status: criteria provided, single submitter. Criteria: Ambry Variant Classification Scheme 2023. Collection method: clinical testing. Allele origin: germline.

Labcorp Genetics (formerly Invitae), Labcorp
Classification: Uncertain significance for Brugada syndrome 8. Last evaluated: 2024-05-06. Review status: criteria provided, single submitter. Criteria: Invitae Variant Classification Sherloc (09022015). Collection method: clinical testing. Allele origin: germline.
Comment: This sequence change replaces aspartic acid, which is acidic and polar, with asparagine, which is neutral and polar, at codon 654 of the HCN4 protein (p.Asp654Asn). This variant is not present in population databases (gnomAD no frequency). This variant has not been reported in the literature in individuals affected with HCN4-related conditions. ClinVar contains an entry for this variant (Variation ID: 2201701). Advanced modeling of protein sequence and biophysical properties (such as structural, functional, and spatial information, amino acid conservation, physicochemical variation, residue mobility, and thermodynamic stability) performed at Invitae indicates that this missense variant is expected to disrupt HCN4 protein function with a positive predictive value of 80%. In summary, the available evidence is currently insufficient to determine the role of this variant in disease. Therefore, it has been classified as a Variant of Uncertain Significance.

NM_005477.3(HCN4):c.1960G>A (p.Asp654Asn)

Gene: HCN4 (hyperpolarization activated cyclic nucleotide gated potassium channel 4; minus strand). Cytogenetic location: 15q24.1.
Variant type: single nucleotide variant.
Coding change: c.1960G>A on transcript NM_005477.3 (MANE Select); coding-DNA position 1960, G replaced by A.
Protein change: p.Asp654Asn; replaces aspartic acid 654 with asparagine.
Molecular consequence: missense variant.
Genome position (GRCh38, 1-based): chr15:73,324,973, C>T on the plus strand (G>A on the coding strand, the complement: HCN4 is on the minus strand). VCF-style: chr15-73324973-C-T. GRCh37 (hg19) VCF-style: chr15-73617314-C-T.
Other names: c.1960G>A (NM_005477.2); short protein forms D654N.
Identifiers: ClinVar variation 2201701 (VCV002201701.4), dbSNP rs902789199, ClinGen allele CA272666205.